The following is an entry in ClinVar:

NM_001329943.3(KIAA0586):c.200-2A>T

Gene: KIAA0586 (KIAA0586; plus strand). Cytogenetic location: 14q23.1.
Variant type: single nucleotide variant.
Coding change: c.200-2A>T on transcript NM_001329943.3 (MANE Select); the canonical splice acceptor site of the intron before coding-DNA position 200, A replaced by T.
Molecular consequence: splice acceptor variant.
Genome position (GRCh38, 1-based): chr14:58,429,361, A>T. VCF-style: chr14-58429361-A-T. GRCh37 (hg19) VCF-style: chr14-58896079-A-T.
Other names: c.236-2A>T (NM_001244189.2); c.155-2A>T (NM_001244190.2); c.-56-2A>T (NM_001244192.2, NM_001244191.2, NM_001364701.2 and 2 more transcripts); c.200-2A>T (NM_001329944.2, NM_001329946.2, NM_001329947.2 and 1 more transcripts).
Identifiers: ClinVar variation 4790506 (VCV004790506.1).
Genomic context (GRCh38, chr14:58,429,361, plus strand): 5'-CAGTTTCTAAAGCTAAGGATCTGATTTTAAAATCACTAAAATCTATTCCTTTGTTTTGTT[A>T]GGTTCATCAGACTTAACTTCTGCTAGAAATTGTTACCAGCCTCTATTAGAAAATCCCATG-3'

ClinVar aggregate classification (germline): Likely pathogenic (1 of 4 stars; one submission).

Conditions:
Short-rib thoracic dysplasia 14 with polydactyly (SRTD14). Identifiers: Orphanet 397715, MedGen C4225286, MONDO:0014688, OMIM 616546.
Joubert syndrome 23 (JBTS23). Identifiers: Orphanet 475, MedGen C4084822, MONDO:0014664, OMIM 616490.

gnomAD v4.1: 16 of 1,560,428 alleles (0.001%); highest among the groups gnomAD compares: South Asian, 0.018%; no homozygotes.

Submission:

Labcorp Genetics (formerly Invitae), Labcorp
Classification: Likely pathogenic for Joubert syndrome 23; Short-rib thoracic dysplasia 14 with polydactyly. Last evaluated: 2025-02-16. Review status: criteria provided, single submitter. Criteria: Invitae Variant Classification Sherloc (09022015). Collection method: clinical testing. Allele origin: germline.
Comment: This sequence change affects an acceptor splice site in intron 2 of the KIAA0586 gene. It is expected to disrupt RNA splicing. Variants that disrupt the donor or acceptor splice site typically lead to a loss of protein function (PMID: 16199547), and loss-of-function variants in KIAA0586 are known to be pathogenic (PMID: 26096313, 26166481, 26386044). This variant is present in population databases (rs765227931, gnomAD 0.03%). This variant has not been reported in the literature in individuals affected with KIAA0586-related conditions. Algorithms developed to predict the effect of sequence changes on RNA splicing suggest that this variant may disrupt the consensus splice site. In summary, the currently available evidence indicates that the variant is pathogenic, but additional data are needed to prove that conclusively. Therefore, this variant has been classified as Likely Pathogenic.

Literature cited by the submitters: PubMed 16199547; PubMed 26096313; PubMed 26166481; PubMed 26386044.